The following is an entry in ClinVar:

NM_139281.3(WDR36):c.468T>C (p.His156=)

Gene: WDR36 (WD repeat domain 36; plus strand). Cytogenetic location: 5q22.1.
Variant type: single nucleotide variant.
Coding change: c.468T>C on transcript NM_139281.3 (MANE Select); coding-DNA position 468, T replaced by C.
Protein change: p.His156=; no amino-acid change (histidine 156 retained).
Molecular consequence: synonymous variant.
Genome position (GRCh38, 1-based): chr5:111,100,647, T>C. VCF-style: chr5-111100647-T-C. GRCh37 (hg19) VCF-style: chr5-110436346-T-C.
Identifiers: ClinVar variation 1254929 (VCV001254929.7), dbSNP rs145835374, ClinGen allele CA3365303.

ClinVar aggregate classification (germline): Likely benign. Review status: criteria provided, multiple submitters, no conflicts (2 of 4 stars). 3 submissions from 3 submitters: Likely benign (2). 1 of the submissions does not count toward it. Last evaluated 2021-09-11.

Conditions:
WDR36-related disorder. Also called: WDR36-related condition.

Allele frequency attached by ClinVar (database versions not stated): ESP Exome Variant Server 0.00046; 1000 Genomes Project 0.00359; gnomAD 0.00850 and 0.00977; gnomAD exomes 0.00996 and 0.01312; TOPMed 0.00999; ExAC 0.01145.
gnomAD v4.1: 20,375 of 1,607,024 alleles (1.3%); highest among the groups gnomAD compares: Non-Finnish European, 1.5%; 188 homozygotes.

Submissions (3):

GeneDx
Classification: Likely benign. Last evaluated: 2021-09-11. Review status: criteria provided, single submitter. Criteria: GeneDx Variant Classification Process June 2021. Collection method: clinical testing. Allele origin: germline. Affected: yes.

Breakthrough Genomics
Classification: Likely benign. Review status: criteria provided, single submitter. Criteria: ACMG Guidelines, 2015. Collection method: not provided. Allele origin: germline. Inheritance: Unknown mechanism. Affected: yes.

PreventionGenetics, part of Exact Sciences
Classification: Benign for WDR36-related condition. Last evaluated: 2019-07-15. Review status: no assertion criteria provided. Collection method: clinical testing. Allele origin: germline. Not counted in ClinVar's aggregate classification.
Comment: This variant is classified as benign based on ACMG/AMP sequence variant interpretation guidelines (Richards et al. 2015 PMID: 25741868, with internal and published modifications).